The following is an entry in ClinVar:

ClinVar aggregate classification (germline): Uncertain significance. Review status: criteria provided, multiple submitters, no conflicts (2 of 4 stars). 3 submissions from 3 submitters: Uncertain significance (2). 1 of the submissions does not count toward it. Last evaluated 2022-06-27.

Conditions:
Peroxisome biogenesis disorder, complementation group 7 (CG7). Also called: Peroxisome biogenesis disorder, complementation group B. Identifiers: MedGen C1864399.
Zellweger spectrum disorders (ZS). Also called: Zellweger Spectrum Disorder (ZSD); Zellweger Spectrum Disorder; Zellweger Spectrum; Zellweger syndrome. Identifiers: Orphanet 912, MedGen C0043459, MONDO:0019609.

Allele frequency attached by ClinVar (database versions not stated): gnomAD exomes below 0.00001 and 0.00001; TOPMed 0.00002; gnomAD 0.00003.

Submissions (3):

Labcorp Genetics (formerly Invitae), Labcorp
Classification: Uncertain significance for Peroxisome biogenesis disorder, complementation group 7. Last evaluated: 2022-06-27. Review status: criteria provided, single submitter. Criteria: Invitae Variant Classification Sherloc (09022015). Collection method: clinical testing. Allele origin: germline.
Comment: This variant, c.712_717dup, results in the insertion of 2 amino acid(s) of the PEX10 protein (p.Arg238_Leu239dup), but otherwise preserves the integrity of the reading frame. This variant is present in population databases (no rsID available, gnomAD 0.002%). This variant has not been reported in the literature in individuals affected with PEX10-related conditions. ClinVar contains an entry for this variant (Variation ID: 500334). Experimental studies and prediction algorithms are not available or were not evaluated, and the functional significance of this variant is currently unknown. In summary, the available evidence is currently insufficient to determine the role of this variant in disease. Therefore, it has been classified as a Variant of Uncertain Significance.

Eurofins Ntd Llc (ga)
Classification: Uncertain significance. Last evaluated: 2017-02-02. Review status: criteria provided, single submitter. Criteria: EGL Classification Definitions 2015. Collection method: clinical testing. Allele origin: germline. Observed: 1 variant allele, 1 heterozygote.

Natera, Inc.
Classification: Uncertain significance for Zellweger syndrome. Last evaluated: 2020-02-26. Review status: no assertion criteria provided. Collection method: clinical testing. Allele origin: germline. Not counted in ClinVar's aggregate classification.

NM_002617.4(PEX10):c.652_657dup (p.Arg218_Leu219dup)

Gene: PEX10 (peroxisomal biogenesis factor 10; minus strand). Cytogenetic location: 1p36.32.
Variant type: Duplication.
Coding change: c.652_657dup on transcript NM_002617.4 (MANE Select); coding-DNA positions 652 to 657, 6 bases duplicated (AGGCTG; older notation c.652_657dupAGGCTG).
Protein change: p.Arg218_Leu219dup.
Molecular consequence: inframe insertion. On other transcripts: non-coding transcript variant (1).
Genome position (GRCh38, 1-based): chr1:2,406,839-2,406,844, CAGCCT duplicated on the plus strand (AGGCTG on the coding strand, the reverse complement: PEX10 is on the minus strand). VCF-style (leftmost placement, unchanged base first): chr1-2406838-G-GCAGCCT. GRCh37 (hg19) VCF-style: chr1-2338277-G-GCAGCCT.
Other names: c.709_714dup, p.Arg237_Leu238dup (NM_001374425.1); c.277_282dup, p.Arg93_Leu94dup (NM_001374426.1); c.220_225dup, p.Arg74_Leu75dup (NM_001374427.1); c.712_717dup, p.Arg238_Leu239dup (NM_153818.2).
Identifiers: ClinVar variation 500334 (VCV000500334.7), dbSNP rs1432526114, ClinGen allele CA521014105.
Genomic context (GRCh38, chr1:2,406,838, plus strand): 5'-TGAAACCGTACAGCTGCAGCCCCATGGACAGCACCAGGTGCAGCAGTGAGATGACCCCCA[G>GCAGCCT]CAGCCTGTAGCTAACACGGGCCCTCAGGTCCTCTCCGGGCAGGCTGCGGACACGGAGCTG-3'